The following is an entry in ClinVar:

ClinVar aggregate classification (germline): Likely benign (1 of 4 stars; one submission).

Conditions:
Periventricular nodular heterotopia 7 (PVNH7). Identifiers: MedGen C4310669, MONDO:0014966, OMIM 617201.

Submission:

Centre for Medical Genetics,  Mumbai
Classification: Likely benign for Periventricular nodular heterotopia 7. Last evaluated: 2026-05-02. Review status: criteria provided, single submitter. Criteria: ACMG Guidelines, 2015. Collection method: provider interpretation. Allele origin: germline. Inheritance: Autosomal dominant inheritance. Affected: no. Observed: 1 variant allele, 1 heterozygote.
Comment: The variant satisfies PM2 criteria - extremely low frequency in gnomAD population databases. The variant satisfies BP7 criteria - synonymous or non coding variant which is not located in a splice region and not predicted to have splice-altering consequence. However, the variant satisfies BS2 criteria - present in heterozygous state in an individual that clinically does not have Periventricular nodular heterotopia.

Literature cited by the submitters: PubMed 27694961.

NM_001144967.3(NEDD4L):c.814-48A>G

Gene: NEDD4L (NEDD4 like E3 ubiquitin protein ligase; plus strand). Cytogenetic location: 18q21.31.
Variant type: single nucleotide variant.
Coding change: c.814-48A>G on transcript NM_001144967.3 (MANE Select); 48 bases into the intron before coding-DNA position 814, A replaced by G.
Molecular consequence: intron variant.
Genome position (GRCh38, 1-based): chr18:58,330,690, A>G. VCF-style: chr18-58330690-A-G. GRCh37 (hg19) VCF-style: chr18-55997922-A-G.
Other names: c.814-48A>G (NM_015277.6, NM_001243960.2); c.451-48A>G (NM_001144964.1, NM_001144971.2, NM_001144965.2 and 2 more transcripts); c.790-48A>G (NM_001144968.2, NM_001144969.2); c.1651-48A>G (NM_001437337.1).
Identifiers: ClinVar variation 4852278 (VCV004852278.1).